The following is an entry in ClinVar:

NM_032638.5(GATA2):c.1248G>C (p.Glu416Asp)

Gene: GATA2 (GATA binding protein 2; minus strand). Cytogenetic location: 3q21.3.
Variant type: single nucleotide variant.
Coding change: c.1248G>C on transcript NM_032638.5 (MANE Select); coding-DNA position 1248, G replaced by C.
Protein change: p.Glu416Asp; replaces glutamic acid 416 with aspartic acid.
Molecular consequence: missense variant.
Genome position (GRCh38, 1-based): chr3:128,481,214, C>G on the plus strand (G>C on the coding strand, the complement: GATA2 is on the minus strand). VCF-style: chr3-128481214-C-G. GRCh37 (hg19) VCF-style: chr3-128200057-C-G.
Other names: c.1248G>C, p.Glu416Asp (NM_001145661.2); c.1206G>C, p.Glu402Asp (NM_001145662.1); short protein forms E416D, E402D.
Identifiers: ClinVar variation 539710 (VCV000539710.9), dbSNP rs1553770425, ClinGen allele CA354412989.

ClinVar aggregate classification (germline): Uncertain significance. Review status: criteria provided, multiple submitters, no conflicts (2 of 4 stars). 2 submissions from 2 submitters: Uncertain significance (2). Last evaluated 2026-01-06.

Conditions:
Monocytopenia with susceptibility to infections. Also called: GATA2 DEFICIENCY; Dendritic cell, monocyte, B lymphocyte, and natural killer lymphocyte deficiency; MONOCYTOPENIA AND MYCOBACTERIAL INFECTION SYNDROME; MONOCYTOPENIA WITH SUSCEPTIBILITY TO MYCOBACTERIAL, FUNGAL, AND PAPILLOMAVIRUS INFECTIONS AND MYELODYSPLASIA; COMBINED IMMUNODEFICIENCY WITH SUSCEPTIBILITY TO MYCOBACTERIAL, VIRAL, AND FUNGAL INFECTIONS; IMMUNODEFICIENCY 21. Identifiers: Orphanet 228423, MedGen C3280030, MONDO:0013607, OMIM 614172.
Deafness-lymphedema-leukemia syndrome. Also called: Lymphedema, primary, with myelodysplasia; Emberger syndrome. Identifiers: Orphanet 3226, MedGen C3279664, MONDO:0013540, OMIM 614038.
Inborn genetic diseases. Identifiers: MedGen C0950123, MeSH D030342.

Allele frequency attached by ClinVar (database versions not stated): gnomAD exomes below 0.00001.
gnomAD v4.1: 1 of 1,614,272 alleles (0.000062%); highest among the groups gnomAD compares: South Asian, 0.0011%; no homozygotes.

Submissions (2):

Ambry Genetics
Classification: Uncertain significance for Inborn genetic diseases. Last evaluated: 2026-01-06. Review status: criteria provided, single submitter. Criteria: Ambry Variant Classification Scheme 2023. Collection method: clinical testing. Allele origin: germline.
Comment: The p.E416D variant (also known as c.1248G>C), located in coding exon 5 of the GATA2 gene, results from a G to C substitution at nucleotide position 1248. The glutamic acid at codon 416 is replaced by aspartic acid, an amino acid with highly similar properties. This amino acid position is highly conserved in available vertebrate species. In addition, the in silico prediction for this alteration is inconclusive. Based on the available evidence, the clinical significance of this variant remains unclear.

Labcorp Genetics (formerly Invitae), Labcorp
Classification: Uncertain significance for Monocytopenia with susceptibility to infections; Deafness-lymphedema-leukemia syndrome. Last evaluated: 2022-04-04. Review status: criteria provided, single submitter. Criteria: Invitae Variant Classification Sherloc (09022015). Collection method: clinical testing. Allele origin: germline.
Comment: This sequence change replaces glutamic acid, which is acidic and polar, with aspartic acid, which is acidic and polar, at codon 416 of the GATA2 protein (p.Glu416Asp). This variant is not present in population databases (gnomAD no frequency). This variant has not been reported in the literature in individuals affected with GATA2-related conditions. ClinVar contains an entry for this variant (Variation ID: 539710). Advanced modeling of protein sequence and biophysical properties (such as structural, functional, and spatial information, amino acid conservation, physicochemical variation, residue mobility, and thermodynamic stability) performed at Invitae indicates that this missense variant is not expected to disrupt GATA2 protein function. In summary, the available evidence is currently insufficient to determine the role of this variant in disease. Therefore, it has been classified as a Variant of Uncertain Significance.